The following is an entry in ClinVar:

NM_012203.2(GRHPR):c.586del (p.Gln196fs)

Gene: GRHPR (glyoxylate and hydroxypyruvate reductase; plus strand). Cytogenetic location: 9p13.2.
Variant type: Deletion.
Coding change: c.586del on transcript NM_012203.2 (MANE Select); coding-DNA position 586, one base deleted (C; older notation c.586delC).
Protein change: p.Gln196fs; shifts the reading frame from glutamine 196.
Molecular consequence: frameshift variant.
Genome position (GRCh38, 1-based): chr9:37,429,824, C deleted; the last of 2 consecutive C bases (chr9:37,429,823-37,429,824); deleting either gives the same sequence. VCF-style (leftmost placement, unchanged base first): chr9-37429822-TC-T. GRCh37 (hg19) VCF-style: chr9-37429819-TC-T.
Other names: short protein forms Q196fs.
Identifiers: ClinVar variation 1725194 (VCV001725194.2), dbSNP rs2489243310, ClinGen allele CA2580080552.

ClinVar aggregate classification (germline): Likely pathogenic (1 of 4 stars; one submission).

Conditions:
Primary hyperoxaluria, type II (HP2). Also called: GLYCERIC ACIDURIA; GLYOXYLATE REDUCTASE/HYDROXYPYRUVATE REDUCTASE DEFICIENCY; Primary hyperoxaluria type 2; D-GLYCERATE DEHYDROGENASE DEFICIENCY; OXALOSIS II. Identifiers: Orphanet 416, Orphanet 93599, MedGen C0268165, MONDO:0009824, OMIM 260000. Disease mechanism: loss of function.

Submission:

Myriad Genetics, Inc.
Classification: Likely pathogenic for Primary hyperoxaluria, type II. Last evaluated: 2022-03-14. Review status: criteria provided, single submitter. Criteria: Myriad Women's Health Autosomal Recessive and X-Linked Classification Criteria (2021). Collection method: clinical testing. Allele origin: unknown.
Comment: NM_012203.1(GRHPR):c.586delC(Q196Rfs*23) is expected to be pathogenic in the context of primary hyperoxaluria type 2. This variant is predicted to lead to an abnormal or absent protein product due to the creation of a premature termination codon in GRHPR, a gene where loss-of-function variants are known to be pathogenic. Please note: this variant was assessed in the context of healthy population screening.